The following is an entry in ClinVar:

NM_003737.4(DCHS1):c.2324G>A (p.Arg775Gln)

Gene: DCHS1 (dachsous cadherin-related 1; minus strand). Cytogenetic location: 11p15.4.
Variant type: single nucleotide variant.
Coding change: c.2324G>A on transcript NM_003737.4 (MANE Select); coding-DNA position 2324, G replaced by A.
Protein change: p.Arg775Gln; replaces arginine 775 with glutamine.
Molecular consequence: missense variant.
Genome position (GRCh38, 1-based): chr11:6,633,543, C>T on the plus strand (G>A on the coding strand, the complement: DCHS1 is on the minus strand). VCF-style: chr11-6633543-C-T. GRCh37 (hg19) VCF-style: chr11-6654774-C-T.
Other names: short protein forms R775Q.
Identifiers: ClinVar variation 1364104 (VCV001364104.6), dbSNP rs763868169, ClinGen allele CA5860751.

ClinVar aggregate classification (germline): Uncertain significance (1 of 4 stars; one submission).

Allele frequency attached by ClinVar (database versions not stated): ExAC 0.00005.
gnomAD v4.1: 12 of 1,588,438 alleles (0.00076%); highest among the groups gnomAD compares: Middle Eastern, 0.05%; no homozygotes.

Submission:

Labcorp Genetics (formerly Invitae), Labcorp
Classification: Uncertain significance. Last evaluated: 2025-10-20. Review status: criteria provided, single submitter. Criteria: Invitae Variant Classification Sherloc (09022015). Collection method: clinical testing. Allele origin: germline.
Comment: This sequence change replaces arginine, which is basic and polar, with glutamine, which is neutral and polar, at codon 775 of the DCHS1 protein (p.Arg775Gln). The frequency data for this variant in the population databases is considered unreliable, as metrics indicate poor data quality at this position in the gnomAD database. This variant has not been reported in the literature in individuals affected with DCHS1-related conditions. ClinVar contains an entry for this variant (Variation ID: 1364104). Invitae Evidence Modeling of protein sequence and biophysical properties (such as structural, functional, and spatial information, amino acid conservation, physicochemical variation, residue mobility, and thermodynamic stability) indicates that this missense variant is not expected to disrupt DCHS1 protein function with a negative predictive value of 80%. In summary, the available evidence is currently insufficient to determine the role of this variant in disease. Therefore, it has been classified as a Variant of Uncertain Significance.